The following is an entry in ClinVar:

NM_001257096.2(PAX1):c.1150G>T (p.Gly384Cys)

Gene: PAX1 (paired box 1; plus strand). Cytogenetic location: 20p11.22.
Variant type: single nucleotide variant.
Coding change: c.1150G>T on transcript NM_001257096.2 (MANE Select); coding-DNA position 1150, G replaced by T.
Protein change: p.Gly384Cys; replaces glycine 384 with cysteine.
Molecular consequence: missense variant.
Genome position (GRCh38, 1-based): chr20:21,709,312, G>T. VCF-style: chr20-21709312-G-T. GRCh37 (hg19) VCF-style: chr20-21689950-G-T.
Other names: c.1150G>T, p.Gly384Cys (NM_006192.5); short protein forms G384C.
Identifiers: ClinVar variation 2000723 (VCV002000723.4), dbSNP rs1291243694, ClinGen allele CA408499469.

ClinVar aggregate classification (germline): Uncertain significance (1 of 4 stars; one submission).

Allele frequency attached by ClinVar (database versions not stated): TOPMed below 0.00001; gnomAD 0.00001.

Submission:

Labcorp Genetics (formerly Invitae), Labcorp
Classification: Uncertain significance. Last evaluated: 2022-05-29. Review status: criteria provided, single submitter. Criteria: Invitae Variant Classification Sherloc (09022015). Collection method: clinical testing. Allele origin: germline.
Comment: This sequence change replaces glycine, which is neutral and non-polar, with cysteine, which is neutral and slightly polar, at codon 384 of the PAX1 protein (p.Gly384Cys). This variant is not present in population databases (gnomAD no frequency). This variant has not been reported in the literature in individuals affected with PAX1-related conditions. Algorithms developed to predict the effect of missense changes on protein structure and function are either unavailable or do not agree on the potential impact of this missense change (SIFT: "Deleterious"; PolyPhen-2: "Probably Damaging"; Align-GVGD: "Class C0"). In summary, the available evidence is currently insufficient to determine the role of this variant in disease. Therefore, it has been classified as a Variant of Uncertain Significance.